The following is an entry in ClinVar:

ClinVar aggregate classification (germline): Benign (0 of 4 stars; one submission).

Conditions:
PTK7-related disorder. Also called: PTK7-related condition.

Allele frequency attached by ClinVar (database versions not stated): 1000 Genomes Project 0.03195; 1000 Genomes Project 30x 0.03482; ExAC 0.04776; TOPMed 0.05318; gnomAD 0.05385; ESP Exome Variant Server 0.06113.
gnomAD v4.1: 103,831 of 1,614,106 alleles (6.4%); highest among the groups gnomAD compares: Non-Finnish European, 7.4%; 3,649 homozygotes.

Submission:

PreventionGenetics, part of Exact Sciences
Classification: Benign for PTK7-related condition. Last evaluated: 2020-01-02. Review status: no assertion criteria provided. Collection method: clinical testing. Allele origin: germline.
Comment: This variant is classified as benign based on ACMG/AMP sequence variant interpretation guidelines (Richards et al. 2015 PMID: 25741868, with internal and published modifications).

NM_002821.5(PTK7):c.2330C>T (p.Ala777Val)

Gene: PTK7 (protein tyrosine kinase 7 (inactive); plus strand). Cytogenetic location: 6p21.1.
Variant type: single nucleotide variant.
Coding change: c.2330C>T on transcript NM_002821.5 (MANE Select); coding-DNA position 2330, C replaced by T.
Protein change: p.Ala777Val; replaces alanine 777 with valine.
Molecular consequence: missense variant. On other transcripts: non-coding transcript variant (2).
Genome position (GRCh38, 1-based): chr6:43,144,529, C>T. VCF-style: chr6-43144529-C-T. GRCh37 (hg19) VCF-style: chr6-43112267-C-T.
Other names: c.2354C>T, p.Ala785Val (NM_001270398.2); c.2210C>T, p.Ala737Val (NM_152880.4); c.1940C>T, p.Ala647Val (NM_152881.4); c.2162C>T, p.Ala721Val (NM_152882.4); short protein forms A647V, A721V, A737V, A777V, A785V.
Identifiers: ClinVar variation 3060982 (VCV003060982.2), dbSNP rs34764696, ClinGen allele CA3816375.